The following is an entry in ClinVar:

ClinVar aggregate classification (germline): Uncertain significance (1 of 4 stars; one submission).

Allele frequency attached by ClinVar (database versions not stated): ExAC 0.00001; gnomAD 0.00001; TOPMed 0.00001.

Submission:

Labcorp Genetics (formerly Invitae), Labcorp
Classification: Uncertain significance. Last evaluated: 2022-10-17. Review status: criteria provided, single submitter. Criteria: Invitae Variant Classification Sherloc (09022015). Collection method: clinical testing. Allele origin: germline.
Comment: This sequence change replaces glutamic acid, which is acidic and polar, with glycine, which is neutral and non-polar, at codon 883 of the CEP152 protein (p.Glu883Gly). This variant is present in population databases (rs769506500, gnomAD 0.006%). This variant has not been reported in the literature in individuals affected with CEP152-related conditions. ClinVar contains an entry for this variant (Variation ID: 1521094). Advanced modeling of protein sequence and biophysical properties (such as structural, functional, and spatial information, amino acid conservation, physicochemical variation, residue mobility, and thermodynamic stability) performed at Invitae indicates that this missense variant is not expected to disrupt CEP152 protein function. In summary, the available evidence is currently insufficient to determine the role of this variant in disease. Therefore, it has been classified as a Variant of Uncertain Significance.

NM_001194998.2(CEP152):c.2648A>G (p.Glu883Gly)

Gene: CEP152 (centrosomal protein 152; minus strand). Cytogenetic location: 15q21.1.
Variant type: single nucleotide variant.
Coding change: c.2648A>G on transcript NM_001194998.2 (MANE Select); coding-DNA position 2648, A replaced by G.
Protein change: p.Glu883Gly; replaces glutamic acid 883 with glycine.
Molecular consequence: missense variant.
Genome position (GRCh38, 1-based): chr15:48,760,181, T>C on the plus strand (A>G on the coding strand, the complement: CEP152 is on the minus strand). VCF-style: chr15-48760181-T-C. GRCh37 (hg19) VCF-style: chr15-49052378-T-C.
Other names: c.2648A>G, p.Glu883Gly (NM_014985.4); short protein forms E883G.
Identifiers: ClinVar variation 1521094 (VCV001521094.5), dbSNP rs769506500, ClinGen allele CA7548508.